The following is an entry in ClinVar:

ClinVar aggregate classification (germline): Likely benign (1 of 4 stars; one submission).

Conditions:
Tuberous sclerosis syndrome (TSC). Also called: Tuberous Sclerosis Complex; Tuberous sclerosis. Identifiers: Orphanet 805, MedGen C0041341, MONDO:0001734.

Submission:

All of Us Research Program, National Institutes of Health
Classification: Likely benign for Tuberous sclerosis syndrome. Last evaluated: 2023-11-20. Review status: criteria provided, single submitter. Criteria: ACMG Guidelines, 2015. Collection method: clinical testing. Allele origin: germline. Inheritance: Autosomal dominant inheritance. Observed: 1 variant allele, 1 heterozygote.
Comment: This study involves interpretation of variants in research participants for the purpose of population health screening. Participant phenotype was not available at the time of variant classification. Additional details can be found in publication PMID: 35346344, PMCID: PMC8962531

NM_000368.5(TSC1):c.138G>A (p.Val46=)

Gene: TSC1 (TSC complex subunit 1; minus strand). Cytogenetic location: 9q34.13.
Variant type: single nucleotide variant.
Coding change: c.138G>A on transcript NM_000368.5 (MANE Select); coding-DNA position 138, G replaced by A.
Protein change: p.Val46=; no amino-acid change (valine 46 retained).
Molecular consequence: synonymous variant. On other transcripts: non-coding transcript variant (4), intron variant (9), 5 prime UTR variant (9).
Genome position (GRCh38, 1-based): chr9:132,927,273, C>T on the plus strand (G>A on the coding strand, the complement: TSC1 is on the minus strand). VCF-style: chr9-132927273-C-T. GRCh37 (hg19) VCF-style: chr9-135802660-C-T.
Other names: c.-153-1534G>A (NM_001406620.1, NM_001406618.1); c.-154+1494G>A (NM_001406625.1, NM_001406621.1, NM_001406617.1 and 3 more transcripts); c.-246+1494G>A (NM_001406614.1); c.138G>A, p.Val46= (NM_001162426.2, NM_001162427.2, NM_001406592.1 and 21 more transcripts); c.-351G>A (NM_001406615.1, NM_001406623.1); c.-318G>A (NM_001406616.1, NM_001406624.1); c.-740G>A (NM_001406626.1, NM_001406627.1, NM_001406628.1); c.-882G>A (NM_001406629.1); and 1 more.
Identifiers: ClinVar variation 3074493 (VCV003074493.1), dbSNP rs2132269285, ClinGen allele CA467594290.